The following is an entry in ClinVar:

ClinVar aggregate classification (germline): Pathogenic (1 of 4 stars; one submission).

Submission:

GeneDx
Classification: Pathogenic. Last evaluated: 2018-03-26. Review status: criteria provided, single submitter. Criteria: GeneDx Variant Classification (06012015). Collection method: clinical testing. Allele origin: germline. Affected: yes.
Comment: The Q16X variant has not been published as a pathogenic variant, nor has it been reported as a benign variant to our knowledge. The variant is not observed in large population cohorts (Lek et al., 2016). The nonsense variant is predicted to cause loss of normal protein function either through protein truncation or nonsense-mediated mRNA decay. In summary, we consider this variant to be pathogenic.

NM_000061.3(BTK):c.46C>T (p.Gln16Ter)

Gene: BTK (Bruton tyrosine kinase; minus strand). Cytogenetic location: Xq22.1.
Variant type: single nucleotide variant.
Coding change: c.46C>T on transcript NM_000061.3 (MANE Select); coding-DNA position 46, C replaced by T.
Protein change: p.Gln16Ter; replaces glutamine 16 with a stop codon.
Molecular consequence: nonsense.
Genome position (GRCh38, 1-based): chrX:101,375,239, G>A on the plus strand (C>T on the coding strand, the complement: BTK is on the minus strand). VCF-style: chrX-101375239-G-A. GRCh37 (hg19) VCF-style: chrX-100630227-G-A.
Other names: c.148C>T, p.Gln50Ter (NM_001287344.2); c.46C>T, p.Gln16Ter (NM_001287345.2); short protein forms Q16*, Q50*.
Identifiers: ClinVar variation 523855 (VCV000523855.2), dbSNP rs1555980888, ClinGen allele CA413939723.